The following is an entry in ClinVar:

NM_001035.3(RYR2):c.1296C>A (p.Gly432=)

Gene: RYR2 (ryanodine receptor 2; plus strand). Cytogenetic location: 1q43.
Variant type: single nucleotide variant.
Coding change: c.1296C>A on transcript NM_001035.3 (MANE Select); coding-DNA position 1296, C replaced by A.
Protein change: p.Gly432=; no amino-acid change (glycine 432 retained).
Molecular consequence: synonymous variant.
Genome position (GRCh38, 1-based): chr1:237,454,394, C>A. VCF-style: chr1-237454394-C-A. GRCh37 (hg19) VCF-style: chr1-237617694-C-A.
Other names: p.G432G:GGC>GGA; p.Gly432=.
Identifiers: ClinVar variation 138939 (VCV000138939.25), dbSNP rs184176405, ClinGen allele CA007775.

ClinVar aggregate classification (germline): Benign/Likely benign. Review status: criteria provided, multiple submitters, no conflicts (2 of 4 stars). 7 submissions from 7 submitters: Benign (4); Likely benign (3). Last evaluated 2026-01-31.

Conditions:
Cardiovascular phenotype. Identifiers: MedGen CN230736.
Cardiomyopathy (CMYO). Also called: Cardiomyopathies. Identifiers: Orphanet 167848, MedGen C0878544, MONDO:0004994, HP:0001638. Inheritance: Various modes of inheritance.
Catecholaminergic polymorphic ventricular tachycardia 1. Also called: RYR2-Related Catecholaminergic Polymorphic Ventricular Tachycardia; VENTRICULAR TACHYCARDIA, STRESS-INDUCED POLYMORPHIC 1; VENTRICULAR TACHYCARDIA, CATECHOLAMINERGIC POLYMORPHIC, 1, WITH OR WITHOUT ATRIAL DYSFUNCTION AND/OR DILATED CARDIOMYOPATHY. Identifiers: Orphanet 3286, MedGen C1631597, MONDO:0011484, OMIM 604772.

Allele frequency attached by ClinVar (database versions not stated): gnomAD exomes 0.00024; ExAC 0.00030; 1000 Genomes Project 0.00040; 1000 Genomes Project 30x 0.00047; gnomAD 0.00101 and 0.00103; TOPMed 0.00106; ESP Exome Variant Server 0.00126.
gnomAD v4.1: 306 of 1,603,528 alleles (0.019%); highest among the groups gnomAD compares: African/African-American, 0.36%; 3 homozygotes.

Submissions (7):

Labcorp Genetics (formerly Invitae), Labcorp
Classification: Benign for Catecholaminergic polymorphic ventricular tachycardia 1. Last evaluated: 2026-01-31. Review status: criteria provided, single submitter. Criteria: Invitae Variant Classification Sherloc (09022015). Collection method: clinical testing. Allele origin: germline.

Mayo Clinic Laboratories, Mayo Clinic
Classification: Likely benign. Last evaluated: 2025-06-13. Review status: criteria provided, single submitter. Criteria: ACMG Guidelines, 2015. Collection method: clinical testing. Allele origin: germline. Observed: 1 variant allele.
Comment: BS1, BP4, BP7

Blueprint Genetics
Classification: Likely benign. Last evaluated: 2024-11-25. Review status: criteria provided, single submitter. Criteria: ACMG Guidelines, 2015. Collection method: clinical testing. Allele origin: germline.

Color Diagnostics, LLC DBA Color Health
Classification: Benign for Cardiomyopathy. Last evaluated: 2018-10-21. Review status: criteria provided, single submitter. Criteria: ACMG Guidelines, 2015. Collection method: clinical testing. Allele origin: germline.

Ambry Genetics
Classification: Likely benign for Cardiovascular phenotype. Last evaluated: 2016-07-01. Review status: criteria provided, single submitter. Criteria: Ambry Variant Classification Scheme 2023. Collection method: clinical testing. Allele origin: germline.

Laboratory for Molecular Medicine, Mass General Brigham Personalized Medicine
Classification: Benign. Last evaluated: 2015-03-23. Review status: criteria provided, single submitter. Criteria: LMM Criteria. Collection method: clinical testing. Allele origin: germline. Observed: 4 variant alleles.
Comment: p.Gly432Gly in exon 15 of RYR2: This variant is not expected to have clinical si gnificance because it has been identified in 0.3% (31/9760) of African chromosom es by the Exome Aggregation Consortium (ExAC; db SNP rs184176405).

GeneDx
Classification: Benign. Last evaluated: 2014-01-23. Review status: criteria provided, single submitter. Criteria: GeneDx Variant Classification (06012015). Collection method: clinical testing. Allele origin: germline. Affected: yes.
Comment: This variant is considered likely benign or benign based on one or more of the following criteria: it is a conservative change, it occurs at a poorly conserved position in the protein, it is predicted to be benign by multiple in silico algorithms, and/or has population frequency not consistent with disease.